The following is an entry in ClinVar:

NM_000179.3(MSH6):c.2705T>C (p.Phe902Ser)

Gene: MSH6 (mutS homolog 6; plus strand). Cytogenetic location: 2p16.3.
Variant type: single nucleotide variant.
Coding change: c.2705T>C on transcript NM_000179.3 (MANE Select); coding-DNA position 2705, T replaced by C.
Protein change: p.Phe902Ser; replaces phenylalanine 902 with serine.
Molecular consequence: missense variant.
Genome position (GRCh38, 1-based): chr2:47,800,688, T>C. VCF-style: chr2-47800688-T-C. GRCh37 (hg19) VCF-style: chr2-48027827-T-C.
Other names: c.2315T>C, p.Phe772Ser (NM_001281492.2); c.1799T>C, p.Phe600Ser (NM_001281493.2, NM_001281494.2); short protein forms F902S, F772S, F600S.
Identifiers: ClinVar variation 489990 (VCV000489990.9), dbSNP rs1553414039, ClinGen allele CA346755327.

ClinVar aggregate classification (germline): Uncertain significance. Review status: criteria provided, multiple submitters, no conflicts (2 of 4 stars). 3 submissions from 3 submitters: Uncertain significance (3). Last evaluated 2025-09-21.

Conditions:
Hereditary cancer-predisposing syndrome. Also called: Hereditary Cancer Syndrome; Neoplastic Syndromes, Hereditary; Tumor predisposition; Hereditary neoplastic syndrome. Identifiers: Orphanet 140162, MedGen C0027672, MeSH D009386, MONDO:0015356.
Hereditary nonpolyposis colorectal neoplasms. Identifiers: MedGen C0009405, MeSH D003123.

Submissions (3):

Labcorp Genetics (formerly Invitae), Labcorp
Classification: Uncertain significance for Hereditary nonpolyposis colorectal neoplasms. Last evaluated: 2025-09-21. Review status: criteria provided, single submitter. Criteria: Invitae Variant Classification Sherloc (09022015). Collection method: clinical testing. Allele origin: germline.
Comment: This sequence change replaces phenylalanine, which is neutral and non-polar, with serine, which is neutral and polar, at codon 902 of the MSH6 protein (p.Phe902Ser). This variant is not present in population databases (gnomAD no frequency). This variant has not been reported in the literature in individuals affected with MSH6-related conditions. ClinVar contains an entry for this variant (Variation ID: 489990). Invitae Evidence Modeling of protein sequence and biophysical properties (such as structural, functional, and spatial information, amino acid conservation, physicochemical variation, residue mobility, and thermodynamic stability) indicates that this missense variant is expected to disrupt MSH6 protein function with a positive predictive value of 80%. In summary, the available evidence is currently insufficient to determine the role of this variant in disease. Therefore, it has been classified as a Variant of Uncertain Significance.

Color Diagnostics, LLC DBA Color Health
Classification: Uncertain significance for Hereditary cancer-predisposing syndrome. Last evaluated: 2024-03-06. Review status: criteria provided, single submitter. Criteria: ACMG Guidelines, 2015. Collection method: clinical testing. Allele origin: germline.
Comment: This missense variant replaces phenylalanine with serine at codon 902 of the MSH6 protein. Computational prediction suggests that this variant may have deleterious impact on protein structure and function (internally defined REVEL score threshold >= 0.7, PMID: 27666373). Splice site prediction tools suggest that this variant may not impact RNA splicing. To our knowledge, functional studies have not been performed for this variant. This variant has not been reported in individuals affected with hereditary cancer in the literature. This variant has not been identified in the general population by the Genome Aggregation Database (gnomAD). The available evidence is insufficient to determine the role of this variant in disease conclusively. Therefore, this variant is classified as a Variant of Uncertain Significance.

Ambry Genetics
Classification: Uncertain significance for Hereditary cancer-predisposing syndrome. Last evaluated: 2024-03-02. Review status: criteria provided, single submitter. Criteria: Ambry Variant Classification Scheme 2023. Collection method: clinical testing. Allele origin: germline.
Comment: The p.F902S variant (also known as c.2705T>C), located in coding exon 4 of the MSH6 gene, results from a T to C substitution at nucleotide position 2705. The phenylalanine at codon 902 is replaced by serine, an amino acid with highly dissimilar properties. This amino acid position is conserved. In addition, this alteration is predicted to be deleterious by in silico analysis. Based on the available evidence, the clinical significance of this alteration remains unclear.